The following is an entry in ClinVar:

ClinVar aggregate classification (germline): Uncertain significance (1 of 4 stars; one submission).

Conditions:
Ataxia-telangiectasia syndrome (AT). Also called: Ataxia-telangiectasia; LOUIS-BAR SYNDROME; AT, COMPLEMENTATION GROUP C; Ataxia-telangiectasia, complementation group E; Ataxia telangiectasia (A-T); Cerebello-oculocutaneous telangiectasia. Identifiers: Orphanet 100, MedGen C0004135, MONDO:0008840, OMIM 208900.

Submission:

Labcorp Genetics (formerly Invitae), Labcorp
Classification: Uncertain significance for Ataxia-telangiectasia syndrome. Last evaluated: 2021-02-25. Review status: criteria provided, single submitter. Criteria: Invitae Variant Classification Sherloc (09022015). Collection method: clinical testing. Allele origin: germline.
Comment: This sequence change replaces aspartic acid with asparagine at codon 1902 of the ATM protein (p.Asp1902Asn). The aspartic acid residue is moderately conserved and there is a small physicochemical difference between aspartic acid and asparagine. This variant is not present in population databases (ExAC no frequency). This variant has not been reported in the literature in individuals with ATM-related conditions. Advanced modeling of protein sequence and biophysical properties (such as structural, functional, and spatial information, amino acid conservation, physicochemical variation, residue mobility, and thermodynamic stability) performed at Invitae indicates that this missense variant is not expected to disrupt ATM protein function. In summary, the available evidence is currently insufficient to determine the role of this variant in disease. Therefore, it has been classified as a Variant of Uncertain Significance.

NM_000051.4(ATM):c.5704G>A (p.Asp1902Asn)

Gene: ATM (ATM serine/threonine kinase; plus strand). Cytogenetic location: 11q22.3.
Variant type: single nucleotide variant.
Coding change: c.5704G>A on transcript NM_000051.4 (MANE Select); coding-DNA position 5704, G replaced by A.
Protein change: p.Asp1902Asn; replaces aspartic acid 1902 with asparagine.
Molecular consequence: missense variant.
Genome position (GRCh38, 1-based): chr11:108,307,926, G>A. VCF-style: chr11-108307926-G-A. GRCh37 (hg19) VCF-style: chr11-108178653-G-A.
Other names: c.5704G>A, p.Asp1902Asn (NM_001351834.2); short protein forms D1902N.
Identifiers: ClinVar variation 1443345 (VCV001443345.8), dbSNP rs1565486050, ClinGen allele CA382547848.